The following is an entry in ClinVar:

ClinVar aggregate classification (germline): Uncertain significance. Review status: criteria provided, multiple submitters, no conflicts (2 of 4 stars). 4 submissions from 4 submitters: Uncertain significance (4). Last evaluated 2026-09-09.

Conditions:
HARS2-related disorder. Also called: HARS2-related condition.

Allele frequency attached by ClinVar (database versions not stated): ExAC 0.00002; gnomAD exomes 0.00002 and 0.00004; gnomAD 0.00005; TOPMed 0.00014.

Submissions (4):

PreventionGenetics, part of Exact Sciences
Classification: Uncertain significance for HARS2-related condition. Last evaluated: 2026-09-09. Review status: criteria provided, single submitter. Criteria: ACMG Guidelines, 2015. Collection method: clinical testing. Allele origin: germline.
Comment: The HARS2 c.643C>T variant is predicted to result in the amino acid substitution p.Arg215Trp. To our knowledge, this variant has not been reported in the literature. This variant is reported in 0.028% of alleles in individuals of African descent in gnomAD. At this time, the clinical significance of this variant is uncertain due to the absence of conclusive functional and genetic evidence.

GeneDx
Classification: Uncertain significance. Last evaluated: 2024-03-13. Review status: criteria provided, single submitter. Criteria: GeneDx Variant Classification Process June 2021. Collection method: clinical testing. Allele origin: germline. Affected: yes.
Comment: In silico analysis supports that this missense variant has a deleterious effect on protein structure/function; In silico analysis is inconclusive as to whether the variant alters gene splicing. In the absence of RNA/functional studies, the actual effect of this sequence change is unknown.; Has not been previously published as pathogenic or benign to our knowledge

Blueprint Genetics
Classification: Uncertain significance. Last evaluated: 2021-11-29. Review status: criteria provided, single submitter. Criteria: ACMG Guidelines, 2015. Collection method: clinical testing. Allele origin: germline.

Laboratory for Molecular Medicine, Mass General Brigham Personalized Medicine
Classification: Uncertain significance. Last evaluated: 2016-06-30. Review status: criteria provided, single submitter. Criteria: LMM Criteria. Collection method: clinical testing. Allele origin: germline. Observed: 1 variant allele.
Comment: The p.Arg215Trp variant in HARS2 has not been previously reported in individuals with hearing loss, but has been identified in 1/10270 of African chromosomes an d 1/8638 of East Asian chromosomes by the Exome Aggregation Consortium (ExAC; dbSNP rs758323052). Although this variant has been seen in the general population, its frequency is not high enough to rule out a pathogenic role. Computational prediction tools and conservation analysis sugges t that the p.Arg215Trp variant may impact the protein, though this information i s not predictive enough to determine pathogenicity. In summary, the clinical sig nificance of the p.Arg215Trp variant is uncertain.

NM_012208.4(HARS2):c.643C>T (p.Arg215Trp)

Gene: HARS2 (histidyl-tRNA synthetase 2, mitochondrial; plus strand). Cytogenetic location: 5q31.3.
Variant type: single nucleotide variant.
Coding change: c.643C>T on transcript NM_012208.4 (MANE Select); coding-DNA position 643, C replaced by T.
Protein change: p.Arg215Trp; replaces arginine 215 with tryptophan.
Molecular consequence: missense variant.
Genome position (GRCh38, 1-based): chr5:140,696,112, C>T. VCF-style: chr5-140696112-C-T. GRCh37 (hg19) VCF-style: chr5-140075697-C-T.
Other names: c.568C>T, p.Arg190Trp (NM_001278731.2); c.211C>T, p.Arg71Trp (NM_001278732.2); c.661C>T, p.Arg221Trp (NM_001363535.2); c.433C>T, p.Arg145Trp (NM_001363536.2); c.643C>T (NM_012208.3); short protein forms R215W, R221W, R190W, R71W, R145W.
Identifiers: ClinVar variation 505172 (VCV000505172.7), dbSNP rs758323052, ClinGen allele CA3444499.